The following is an entry in ClinVar:

NM_033380.3(COL4A5):c.1389_1390insTATA (p.Asp464fs)

Gene: COL4A5 (collagen type IV alpha 5 chain; plus strand). Cytogenetic location: Xq22.3.
Variant type: Insertion.
Coding change: c.1389_1390insTATA on transcript NM_033380.3 (MANE Select); coding-DNA positions 1389 to 1390, TATA inserted.
Protein change: p.Asp464fs; shifts the reading frame from aspartic acid 464.
Molecular consequence: frameshift variant.
Genome position: GRCh38 VCF-style: chrX-108591610-T-TTATA. GRCh37 (hg19) VCF-style: chrX-107834840-T-TTATA.
Other names: c.1389_1390insTATA, p.Asp464fs (NM_000495.5); short protein forms D464fs.
Identifiers: ClinVar variation 4616276 (VCV004616276.1).

ClinVar aggregate classification (germline): Pathogenic (1 of 4 stars; one submission).

Conditions:
Inborn genetic diseases. Identifiers: MedGen C0950123, MeSH D030342.

Submission:

Ambry Genetics
Classification: Pathogenic for Inborn genetic diseases. Last evaluated: 2025-09-19. Review status: criteria provided, single submitter. Criteria: Ambry Variant Classification Scheme 2023. Collection method: clinical testing. Allele origin: germline.
Comment: The c.1389_1390insTATA (p.D464Yfs*3) alteration, located in exon 21 (coding exon 21) of the COL4A5 gene, consists of an insertion of TATA at position 1389, causing a translational frameshift with a predicted alternate stop codon after 3 amino acids. This alteration is expected to result in loss of function by premature protein truncation or nonsense-mediated mRNA decay. This variant was not reported in population-based cohorts in the Genome Aggregation Database (gnomAD). Based on the available evidence, this alteration is classified as pathogenic.